The following is an entry in ClinVar:

NM_020921.4(NIN):c.673G>A (p.Glu225Lys)

Gene: NIN (ninein; minus strand). Cytogenetic location: 14q22.1.
Variant type: single nucleotide variant.
Coding change: c.673G>A on transcript NM_020921.4 (MANE Select); coding-DNA position 673, G replaced by A.
Protein change: p.Glu225Lys; replaces glutamic acid 225 with lysine.
Molecular consequence: missense variant.
Genome position (GRCh38, 1-based): chr14:50,773,089, C>T on the plus strand (G>A on the coding strand, the complement: NIN is on the minus strand). VCF-style: chr14-50773089-C-T. GRCh37 (hg19) VCF-style: chr14-51239807-C-T.
Other names: c.673G>A, p.Glu225Lys (NM_016350.5, NM_182944.3, NM_182946.2); c.673G>A (NM_020921.3); short protein forms E225K.
Identifiers: ClinVar variation 2064433 (VCV002064433.6), dbSNP rs148473555, ClinGen allele CA7182376.
Genomic context (GRCh38, chr14:50,773,089, plus strand): 5'-CATAGAAAAAATCTTCTACACTCATTGTACCGTCAGGATCAAGATTATGGAATACTTCCT[C>T]GAGCATCTAGAAAAGAGTCATCACATATTTTAAATACTCCATTCAAGTATACAAGGCCCA-3'
Protein context (NP_065972.4, residues 215-235): GLQNVDGEML[Glu225Lys]EVFHNLDPDG

ClinVar aggregate classification (germline): Uncertain significance. Review status: criteria provided, single submitter (1 of 4 stars). 2 submissions from 2 submitters: Uncertain significance (1). 1 of the submissions does not count toward it. Last evaluated 2025-12-08.

Conditions:
NIN-related disorder. Also called: NIN-related condition.

Allele frequency attached by ClinVar (database versions not stated): gnomAD exomes 0.00006; ExAC 0.00014; ESP Exome Variant Server 0.00054; gnomAD 0.00054; TOPMed 0.00074; 1000 Genomes Project 0.00100; 1000 Genomes Project 30x 0.00109.
gnomAD v4.1: 186 of 1,610,188 alleles (0.012%); highest among the groups gnomAD compares: African/African-American, 0.21%; no homozygotes.

Submissions (2):

Labcorp Genetics (formerly Invitae), Labcorp
Classification: Uncertain significance. Last evaluated: 2025-12-08. Review status: criteria provided, single submitter. Criteria: Invitae Variant Classification Sherloc (09022015). Collection method: clinical testing. Allele origin: germline.
Comment: This sequence change replaces glutamic acid, which is acidic and polar, with lysine, which is basic and polar, at codon 225 of the NIN protein (p.Glu225Lys). This variant is present in population databases (rs148473555, gnomAD 0.2%), and has an allele count higher than expected for a pathogenic variant. This variant has not been reported in the literature in individuals affected with NIN-related conditions. ClinVar contains an entry for this variant (Variation ID: 2064433). An algorithm developed to predict the effect of missense changes on protein structure and function (PolyPhen-2) suggests that this variant is likely to be disruptive. In summary, the available evidence is currently insufficient to determine the role of this variant in disease. Therefore, it has been classified as a Variant of Uncertain Significance.

PreventionGenetics, part of Exact Sciences
Classification: Likely benign for NIN-related condition. Last evaluated: 2022-07-08. Review status: no assertion criteria provided. Collection method: clinical testing. Allele origin: germline. Not counted in ClinVar's aggregate classification.
Comment: This variant is classified as likely benign based on ACMG/AMP sequence variant interpretation guidelines (Richards et al. 2015 PMID: 25741868, with internal and published modifications).